The following is an entry in ClinVar:

ClinVar aggregate classification (germline): Likely benign. Review status: criteria provided, multiple submitters, no conflicts (2 of 4 stars). 2 submissions from 2 submitters: Likely benign (2). Last evaluated 2025-05-18.

Conditions:
Wilms tumor 1 (WT1). Also called: Wilms tumor, somatic. Identifiers: Orphanet 654, MedGen CN033288, MONDO:0008679, OMIM 194070.
Inborn genetic diseases. Identifiers: MedGen C0950123, MeSH D030342.

gnomAD v4.1: 1 of 1,518,106 alleles (0.000066%); highest among the groups gnomAD compares: Non-Finnish European, 0.000088%; no homozygotes.

Submissions (2):

Ambry Genetics
Classification: Likely benign for Inborn genetic diseases. Last evaluated: 2025-05-18. Review status: criteria provided, single submitter. Criteria: Ambry Variant Classification Scheme 2023. Collection method: clinical testing. Allele origin: germline.

All of Us Research Program, National Institutes of Health
Classification: Likely benign for Wilms tumor 1. Last evaluated: 2023-05-04. Review status: criteria provided, single submitter. Criteria: ACMG Guidelines, 2015. Collection method: clinical testing. Allele origin: germline. Inheritance: Autosomal dominant inheritance. Observed: 1 variant allele, 1 heterozygote.
Comment: This study involves interpretation of variants in research participants for the purpose of population health screening. Participant phenotype was not available at the time of variant classification. Additional details can be found in publication PMID: 35346344, PMCID: PMC8962531

NM_024426.6(WT1):c.228C>G (p.Ser76=)

Genes: WT1 (WT1 transcription factor; minus strand), LOC107982234 (WT1/WT1-AS bi-directional promoter region; plus strand). Cytogenetic location: 11p13.
Variant type: single nucleotide variant.
Coding change: c.228C>G on transcript NM_024426.6 (MANE Select); coding-DNA position 228, C replaced by G.
Protein change: p.Ser76=; no amino-acid change (serine 76 retained).
Molecular consequence: synonymous variant. On other transcripts: non-coding transcript variant (2).
Genome position (GRCh38, 1-based): chr11:32,435,133, G>C on the plus strand (C>G on the coding strand, the complement: WT1 is on the minus strand). VCF-style: chr11-32435133-G-C. GRCh37 (hg19) VCF-style: chr11-32456679-G-C.
Other names: c.228C>G, p.Ser76= (NM_000378.6, NM_001407044.1, NM_001407045.1 and 6 more transcripts); c.9C>G, p.Ser3= (NM_001429031.1, NM_001429032.1, NM_001429033.1 and 1 more transcripts); c.213C>G, p.Ser71= (NM_024425.2); c.213C>G (NM_024426.4).
Identifiers: ClinVar variation 3070741 (VCV003070741.2), dbSNP rs2133105899, ClinGen allele CA473774098.